The following is an entry in ClinVar:

NM_001197104.2(KMT2A):c.457T>G (p.Ser153Ala)

Gene: KMT2A (lysine methyltransferase 2A; plus strand). Cytogenetic location: 11q23.3.
Variant type: single nucleotide variant.
Coding change: c.457T>G on transcript NM_001197104.2 (MANE Select); coding-DNA position 457, T replaced by G.
Protein change: p.Ser153Ala; replaces serine 153 with alanine.
Molecular consequence: missense variant.
Genome position (GRCh38, 1-based): chr11:118,468,799, T>G. VCF-style: chr11-118468799-T-G. GRCh37 (hg19) VCF-style: chr11-118339514-T-G.
Other names: c.556T>G, p.Ser186Ala (NM_001412597.1); c.457T>G, p.Ser153Ala (NM_005933.4); short protein forms S153A, S186A.
Identifiers: ClinVar variation 1721396 (VCV001721396.5), dbSNP rs2496777018, ClinGen allele CA382803555.

ClinVar aggregate classification (germline): Uncertain significance (1 of 4 stars; one submission).

Submission:

Labcorp Genetics (formerly Invitae), Labcorp
Classification: Uncertain significance. Last evaluated: 2022-10-10. Review status: criteria provided, single submitter. Criteria: Invitae Variant Classification Sherloc (09022015). Collection method: clinical testing. Allele origin: germline.
Comment: In summary, the available evidence is currently insufficient to determine the role of this variant in disease. Therefore, it has been classified as a Variant of Uncertain Significance. Advanced modeling of protein sequence and biophysical properties (such as structural, functional, and spatial information, amino acid conservation, physicochemical variation, residue mobility, and thermodynamic stability) performed at Invitae indicates that this missense variant is not expected to disrupt KMT2A protein function. This variant has not been reported in the literature in individuals affected with KMT2A-related conditions. This variant is not present in population databases (gnomAD no frequency). This sequence change replaces serine, which is neutral and polar, with alanine, which is neutral and non-polar, at codon 153 of the KMT2A protein (p.Ser153Ala).